The following is an entry in ClinVar:

ClinVar aggregate classification (germline): Uncertain significance (1 of 4 stars; one submission).

Conditions:
Cardiovascular phenotype. Identifiers: MedGen CN230736.

Allele frequency attached by ClinVar (database versions not stated): gnomAD exomes below 0.00001.
gnomAD v4.1: 4 of 1,613,928 alleles (0.00025%); highest among the groups gnomAD compares: Non-Finnish European, 0.00034%; no homozygotes.

Submission:

Ambry Genetics
Classification: Uncertain significance for Cardiovascular phenotype. Last evaluated: 2026-09-11. Review status: criteria provided, single submitter. Criteria: Ambry Variant Classification Scheme 2023. Collection method: clinical testing. Allele origin: germline.
Comment: The p.K3221E variant (also known as c.9661A>G), located in coding exon 26 of the APOB gene, results from an A to G substitution at nucleotide position 9661. The lysine at codon 3221 is replaced by glutamic acid, an amino acid with similar properties. This amino acid position is conserved. In addition, this alteration is predicted to be tolerated by in silico analysis. Based on the available evidence, the clinical significance of this variant remains unclear.

NM_000384.3(APOB):c.9661A>G (p.Lys3221Glu)

Gene: APOB (apolipoprotein B; minus strand). Cytogenetic location: 2p24.1.
Variant type: single nucleotide variant.
Coding change: c.9661A>G on transcript NM_000384.3 (MANE Select); coding-DNA position 9661, A replaced by G.
Protein change: p.Lys3221Glu; replaces lysine 3221 with glutamic acid.
Molecular consequence: missense variant.
Genome position (GRCh38, 1-based): chr2:21,007,207, T>C on the plus strand (A>G on the coding strand, the complement: APOB is on the minus strand). VCF-style: chr2-21007207-T-C. GRCh37 (hg19) VCF-style: chr2-21230079-T-C.
Other names: short protein forms K3221E.
Identifiers: ClinVar variation 3127929 (VCV003127929.2), dbSNP rs2465362350, ClinGen allele CA345989265.